The following is an entry in ClinVar:

NM_000051.4(ATM):c.1976A>G (p.Lys659Arg)

Gene: ATM (ATM serine/threonine kinase; plus strand). Cytogenetic location: 11q22.3.
Variant type: single nucleotide variant.
Coding change: c.1976A>G on transcript NM_000051.4 (MANE Select); coding-DNA position 1976, A replaced by G.
Protein change: p.Lys659Arg; replaces lysine 659 with arginine.
Molecular consequence: missense variant.
Genome position (GRCh38, 1-based): chr11:108,253,891, A>G. VCF-style: chr11-108253891-A-G. GRCh37 (hg19) VCF-style: chr11-108124618-A-G.
Other names: c.1976A>G, p.Lys659Arg (NM_001351834.2); short protein forms K659R.
Identifiers: ClinVar variation 627685 (VCV000627685.13), dbSNP rs1565390043, ClinGen allele CA382536855.

ClinVar aggregate classification (germline): Conflicting classifications of pathogenicity. Review status: criteria provided, conflicting classifications (1 of 4 stars). 3 submissions from 3 submitters: Uncertain significance (2); Likely benign (1). Last evaluated 2025-12-07.

Conditions:
Hereditary cancer-predisposing syndrome. Also called: Tumor predisposition; Neoplastic Syndromes, Hereditary; Hereditary Cancer Syndrome; Hereditary neoplastic syndrome. Identifiers: Orphanet 140162, MedGen C0027672, MeSH D009386, MONDO:0015356.
Ataxia-telangiectasia syndrome (AT). Also called: ATAXIA-TELANGIECTASIA, COMPLEMENTATION GROUP A; ATAXIA-TELANGIECTASIA, FRESNO VARIANT; LOUIS-BAR SYNDROME; Ataxia telangiectasia (A-T); Cerebello-oculocutaneous telangiectasia; Immunodeficiency with ataxia telangiectasia. Identifiers: Orphanet 100, MedGen C0004135, MONDO:0008840, OMIM 208900.

Allele frequency attached by ClinVar (database versions not stated): gnomAD exomes below 0.00001.
gnomAD v4.1: 5 of 1,614,122 alleles (0.00031%); highest among the groups gnomAD compares: Non-Finnish European, 0.00042%; no homozygotes.

Submissions (3):

Labcorp Genetics (formerly Invitae), Labcorp
Classification: Uncertain significance for Ataxia-telangiectasia syndrome. Last evaluated: 2025-12-07. Review status: criteria provided, single submitter. Criteria: Invitae Variant Classification Sherloc (09022015). Collection method: clinical testing. Allele origin: germline.
Comment: This sequence change replaces lysine, which is basic and polar, with arginine, which is basic and polar, at codon 659 of the ATM protein (p.Lys659Arg). This variant is not present in population databases (gnomAD no frequency). This variant has not been reported in the literature in individuals affected with ATM-related conditions. ClinVar contains an entry for this variant (Variation ID: 627685). Invitae Evidence Modeling of protein sequence and biophysical properties (such as structural, functional, and spatial information, amino acid conservation, physicochemical variation, residue mobility, and thermodynamic stability) indicates that this missense variant is not expected to disrupt ATM protein function with a negative predictive value of 95%. In summary, the available evidence is currently insufficient to determine the role of this variant in disease. Therefore, it has been classified as a Variant of Uncertain Significance.

Ambry Genetics
Classification: Likely benign for Hereditary cancer-predisposing syndrome. Last evaluated: 2024-03-14. Review status: criteria provided, single submitter. Criteria: Ambry Variant Classification Scheme 2023. Collection method: clinical testing. Allele origin: germline.

Color Diagnostics, LLC DBA Color Health
Classification: Uncertain significance for Hereditary cancer-predisposing syndrome. Last evaluated: 2023-12-05. Review status: criteria provided, single submitter. Criteria: ACMG Guidelines, 2015. Collection method: clinical testing. Allele origin: germline.
Comment: This missense variant replaces lysine with arginine at codon 659 of the ATM protein. Computational prediction suggests that this variant may not impact protein structure and function (internally defined REVEL score threshold <= 0.5, PMID: 27666373). To our knowledge, functional studies have not been reported for this variant. This variant has not been reported in individuals affected with ATM-related disorders in the literature. This variant has not been identified in the general population by the Genome Aggregation Database (gnomAD). The available evidence is insufficient to determine the role of this variant in disease conclusively. Therefore, this variant is classified as a Variant of Uncertain Significance.